The following is an entry in ClinVar:

ClinVar aggregate classification (germline): Likely benign (1 of 4 stars; one submission).

Conditions:
SETD1B-related disorder. Also called: SETD1B-related condition.

gnomAD v4.1: 12 of 1,551,132 alleles (0.00077%); highest among the groups gnomAD compares: Admixed American, 0.016%; no homozygotes.

Submission:

PreventionGenetics, part of Exact Sciences
Classification: Likely benign for SETD1B-related condition. Last evaluated: 2026-02-22. Review status: criteria provided, single submitter. Criteria: ACMG Guidelines, 2015. Collection method: clinical testing. Allele origin: germline.
Comment: This variant is classified as likely benign based on ACMG/AMP sequence variant interpretation guidelines (Richards et al. 2015 PMID: 25741868, with internal and published modifications).

NM_001353345.2(SETD1B):c.3182C>T (p.Ser1061Leu)

Gene: SETD1B (SET domain containing 1B, histone lysine methyltransferase; plus strand). Cytogenetic location: 12q24.31.
Variant type: single nucleotide variant.
Coding change: c.3182C>T on transcript NM_001353345.2 (MANE Select); coding-DNA position 3182, C replaced by T.
Protein change: p.Ser1061Leu; replaces serine 1061 with leucine.
Molecular consequence: missense variant.
Genome position (GRCh38, 1-based): chr12:121,817,574, C>T. VCF-style: chr12-121817574-C-T. GRCh37 (hg19) VCF-style: chr12-122255480-C-T.
Other names: short protein forms S1061L.
Identifiers: ClinVar variation 4978892 (VCV004978892.1).
Genomic context (GRCh38, chr12:121,817,574, plus strand): 5'-TGTCGGCGTCCTCGTCCTCATCCGCGTCATCATCCTCGGGGTCCTCAACCACCTCACCCT[C>T]GTCCTCGGCCTCCGACAAGGAGGAGGAACAGGAGAGCACCGAGGAGGAAGAGGAGGCGGA-3'
Protein context (NP_001340274.1, residues 1051-1071): SSSGSSTTSP[Ser1061Leu]SSASDKEEEQ